The following is an entry in ClinVar:

NM_003072.5(SMARCA4):c.1787C>T (p.Thr596Met)

Gene: SMARCA4 (SWI/SNF related BAF chromatin remodeling complex subunit ATPase 4; plus strand). Cytogenetic location: 19p13.2.
Variant type: single nucleotide variant.
Coding change: c.1787C>T on transcript NM_003072.5 (MANE Select); coding-DNA position 1787, C replaced by T.
Protein change: p.Thr596Met; replaces threonine 596 with methionine.
Molecular consequence: missense variant. On other transcripts: non-coding transcript variant (1).
Genome position (GRCh38, 1-based): chr19:10,996,519, C>T. VCF-style: chr19-10996519-C-T. GRCh37 (hg19) VCF-style: chr19-11107195-C-T.
Other names: c.1787C>T, p.Thr596Met (NM_001128844.3, NM_001128845.2, NM_001128846.2 and 5 more transcripts); short protein forms T596M.
Identifiers: ClinVar variation 470259 (VCV000470259.41), dbSNP rs779952581, ClinGen allele CA9203894.

ClinVar aggregate classification (germline): Conflicting classifications of pathogenicity. Review status: criteria provided, conflicting classifications (1 of 4 stars). 5 submissions from 5 submitters: Uncertain significance (4); Benign (1). Last evaluated 2025-12-20.

Conditions:
Hereditary cancer-predisposing syndrome. Also called: Hereditary neoplastic syndrome; Tumor predisposition; Neoplastic Syndromes, Hereditary; Hereditary Cancer Syndrome. Identifiers: Orphanet 140162, MedGen C0027672, MeSH D009386, MONDO:0015356.
Intellectual disability, autosomal dominant 16 (CSS4). Also called: COFFIN-SIRIS SYNDROME 4. Identifiers: Orphanet 1465, MedGen C3553249, MONDO:0013821, OMIM 614609.
Rhabdoid tumor predisposition syndrome 2 (RTPS2). Identifiers: Orphanet 231108, Orphanet 69077, MedGen C2750074, MONDO:0013224, OMIM 613325.

Allele frequency attached by ClinVar (database versions not stated): ExAC 0.00001; gnomAD 0.00001; gnomAD exomes 0.00001 and 0.00002; TOPMed 0.00001.
gnomAD v4.1: 21 of 1,614,096 alleles (0.0013%); highest among the groups gnomAD compares: South Asian, 0.011%; no homozygotes.

Submissions (5):

Labcorp Genetics (formerly Invitae), Labcorp
Classification: Uncertain significance for Rhabdoid tumor predisposition syndrome 2. Last evaluated: 2025-12-20. Review status: criteria provided, single submitter. Criteria: Invitae Variant Classification Sherloc (09022015). Collection method: clinical testing. Allele origin: germline.
Comment: This sequence change replaces threonine, which is neutral and polar, with methionine, which is neutral and non-polar, at codon 596 of the SMARCA4 protein (p.Thr596Met). This variant is present in population databases (rs779952581, gnomAD 0.01%). This variant has not been reported in the literature in individuals affected with SMARCA4-related conditions. ClinVar contains an entry for this variant (Variation ID: 470259). Invitae Evidence Modeling of protein sequence and biophysical properties (such as structural, functional, and spatial information, amino acid conservation, physicochemical variation, residue mobility, and thermodynamic stability) indicates that this missense variant is not expected to disrupt SMARCA4 protein function with a negative predictive value of 95%. In summary, the available evidence is currently insufficient to determine the role of this variant in disease. Therefore, it has been classified as a Variant of Uncertain Significance.

Ambry Genetics
Classification: Benign for Hereditary cancer-predisposing syndrome. Last evaluated: 2024-05-15. Review status: criteria provided, single submitter. Criteria: Ambry Variant Classification Scheme 2023. Collection method: clinical testing. Allele origin: germline.

CeGaT Center for Human Genetics Tuebingen
Classification: Uncertain significance. Last evaluated: 2023-09-01. Review status: criteria provided, single submitter. Criteria: CeGaT Center For Human Genetics Tuebingen Variant Classification Criteria Version 2. Collection method: clinical testing. Allele origin: germline. Affected: yes. Observed: 1 variant allele.
Comment: SMARCA4: PP2, BP4

GeneDx
Classification: Uncertain significance. Last evaluated: 2023-04-10. Review status: criteria provided, single submitter. Criteria: GeneDx Variant Classification Process June 2021. Collection method: clinical testing. Allele origin: germline. Affected: yes.
Comment: In silico analysis supports that this missense variant does not alter protein structure/function; Has not been previously published as pathogenic or benign to our knowledge; This variant is associated with the following publications: (PMID: 32686686)

Genome-Nilou Lab
Classification: Uncertain significance for Intellectual disability, autosomal dominant 16. Last evaluated: 2021-07-15. Review status: criteria provided, single submitter. Criteria: ACMG Guidelines, 2015. Collection method: clinical testing. Allele origin: germline. Affected: no.